The following is an entry in ClinVar:

NM_001393769.1(MED12L):c.887A>G (p.Tyr296Cys)

Gene: MED12L (mediator complex subunit 12L; plus strand). Cytogenetic location: 3q25.1.
Variant type: single nucleotide variant.
Coding change: c.887A>G on transcript NM_001393769.1 (MANE Select); coding-DNA position 887, A replaced by G.
Protein change: p.Tyr296Cys; replaces tyrosine 296 with cysteine.
Molecular consequence: missense variant.
Genome position (GRCh38, 1-based): chr3:151,159,881, A>G. VCF-style: chr3-151159881-A-G. GRCh37 (hg19) VCF-style: chr3-150877668-A-G.
Other names: c.887A>G, p.Tyr296Cys (NM_053002.6); short protein forms Y296C.
Identifiers: ClinVar variation 985058 (VCV000985058.5), dbSNP rs763381031, ClinGen allele CA2666505.

ClinVar aggregate classification (germline): Uncertain significance (1 of 4 stars; one submission).

Conditions:
Inborn genetic diseases. Identifiers: MedGen C0950123, MeSH D030342.

Allele frequency attached by ClinVar (database versions not stated): ExAC 0.00001.
gnomAD v4.1: 8 of 1,614,148 alleles (0.0005%); highest among the groups gnomAD compares: South Asian, 0.0022%; no homozygotes.

Submission:

Ambry Genetics
Classification: Uncertain significance for Inborn genetic diseases. Last evaluated: 2023-09-11. Review status: criteria provided, single submitter. Criteria: Ambry Variant Classification Scheme 2023. Collection method: clinical testing. Allele origin: germline.
Comment: The c.887A>G (p.Y296C) alteration is located in coding exon 7 of the MED12L gene. This alteration results from an A to G substitution at nucleotide position 887, causing the tyrosine (Y) at amino acid position 296 to be replaced by a cysteine (C). Based on data from gnomAD, the G allele has an overall frequency of <0.001% (1/251472) total alleles studied. The highest observed frequency was 0.003% (1/30616) of South Asian alleles. This amino acid position is well conserved in available vertebrate species. This alteration is predicted to be tolerated by in silico analysis. Based on insufficient or conflicting evidence, the clinical significance of this alteration remains unclear.